The following is an entry in ClinVar:

ClinVar aggregate classification (germline): Uncertain significance. Review status: criteria provided, multiple submitters, no conflicts (2 of 4 stars). 2 submissions from 2 submitters: Uncertain significance (2). Last evaluated 2024-03-26.

Conditions:
Hereditary cancer-predisposing syndrome. Also called: Hereditary Cancer Syndrome; Tumor predisposition; Hereditary neoplastic syndrome; Neoplastic Syndromes, Hereditary. Identifiers: Orphanet 140162, MedGen C0027672, MeSH D009386, MONDO:0015356.
Retinoblastoma (RB1). Also called: RETINOBLASTOMA, SOMATIC. Identifiers: Orphanet 790, MedGen C0035335, MeSH D012175, MONDO:0008380, OMIM 180200, HP:0009919. Disease mechanism: loss of function. Inheritance: Both sporadic and heritable forms are tested..

Submissions (2):

Labcorp Genetics (formerly Invitae), Labcorp
Classification: Uncertain significance for Retinoblastoma. Last evaluated: 2024-03-26. Review status: criteria provided, single submitter. Criteria: Invitae Variant Classification Sherloc (09022015). Collection method: clinical testing. Allele origin: germline.
Comment: This sequence change replaces glutamic acid, which is acidic and polar, with aspartic acid, which is acidic and polar, at codon 119 of the RB1 protein (p.Glu119Asp). This variant is not present in population databases (gnomAD no frequency). This variant has not been reported in the literature in individuals affected with RB1-related conditions. ClinVar contains an entry for this variant (Variation ID: 1057702). Advanced modeling of protein sequence and biophysical properties (such as structural, functional, and spatial information, amino acid conservation, physicochemical variation, residue mobility, and thermodynamic stability) performed at Invitae indicates that this missense variant is not expected to disrupt RB1 protein function with a negative predictive value of 80%. In summary, the available evidence is currently insufficient to determine the role of this variant in disease. Therefore, it has been classified as a Variant of Uncertain Significance.

Ambry Genetics
Classification: Uncertain significance for Hereditary cancer-predisposing syndrome. Last evaluated: 2023-09-09. Review status: criteria provided, single submitter. Criteria: Ambry Variant Classification Scheme 2023. Collection method: clinical testing. Allele origin: germline.
Comment: The p.E119D variant (also known as c.357G>T), located in coding exon 3 of the RB1 gene, results from a G to T substitution at nucleotide position 357. The glutamic acid at codon 119 is replaced by aspartic acid, an amino acid with highly similar properties. This amino acid position is conserved. In addition, the in silico prediction for this alteration is inconclusive. Since supporting evidence is limited at this time, the clinical significance of this alteration remains unclear.

NM_000321.3(RB1):c.357G>T (p.Glu119Asp)

Gene: RB1 (RB transcriptional corepressor 1; plus strand). Cytogenetic location: 13q14.2.
Variant type: single nucleotide variant.
Coding change: c.357G>T on transcript NM_000321.3 (MANE Select); coding-DNA position 357, G replaced by T.
Protein change: p.Glu119Asp; replaces glutamic acid 119 with aspartic acid.
Molecular consequence: missense variant.
Genome position (GRCh38, 1-based): chr13:48,342,691, G>T. VCF-style: chr13-48342691-G-T. GRCh37 (hg19) VCF-style: chr13-48916827-G-T.
Other names: c.357G>T (NM_000321.2); short protein forms E119D.
Identifiers: ClinVar variation 1057702 (VCV001057702.10), dbSNP rs1593434283, ClinGen allele CA388252522.